The following is an entry in ClinVar:

ClinVar aggregate classification (germline): Conflicting classifications of pathogenicity. Review status: criteria provided, conflicting classifications (1 of 4 stars). 4 submissions from 4 submitters: Uncertain significance (1); Benign (1); Likely benign (1). 1 of the submissions does not count toward it. Last evaluated 2025-11-11.

Conditions:
NBEAL2-related disorder. Also called: NBEAL2-related condition.

Allele frequency attached by ClinVar (database versions not stated): gnomAD exomes 0.00010 and 0.00051; gnomAD 0.00024 and 0.00028; TOPMed 0.00041; ExAC 0.00067; 1000 Genomes Project 30x 0.00156; 1000 Genomes Project 0.00160.

Submissions (4):

Labcorp Genetics (formerly Invitae), Labcorp
Classification: Benign. Last evaluated: 2025-11-11. Review status: criteria provided, single submitter. Criteria: Invitae Variant Classification Sherloc (09022015). Collection method: clinical testing. Allele origin: germline.

CeGaT Center for Human Genetics Tuebingen
Classification: Likely benign. Last evaluated: 2025-07-01. Review status: criteria provided, single submitter. Criteria: CeGaT Center For Human Genetics Tuebingen Variant Classification Criteria Version 2. Collection method: clinical testing. Allele origin: germline. Affected: yes. Observed: 1 variant allele.
Comment: NBEAL2: BS2

GeneDx
Classification: Uncertain significance. Last evaluated: 2024-01-29. Review status: criteria provided, single submitter. Criteria: GeneDx Variant Classification Process June 2021. Collection method: clinical testing. Allele origin: germline. Affected: yes.
Comment: In silico analysis supports that this missense variant has a deleterious effect on protein structure/function; Has not been previously published as pathogenic or benign to our knowledge

PreventionGenetics, part of Exact Sciences
Classification: Likely benign for NBEAL2-related condition. Last evaluated: 2020-08-31. Review status: no assertion criteria provided. Collection method: clinical testing. Allele origin: germline. Not counted in ClinVar's aggregate classification.
Comment: This variant is classified as likely benign based on ACMG/AMP sequence variant interpretation guidelines (Richards et al. 2015 PMID: 25741868, with internal and published modifications).

NM_015175.3(NBEAL2):c.1351C>G (p.Pro451Ala)

Gene: NBEAL2 (neurobeachin like 2; plus strand). Cytogenetic location: 3p21.31.
Variant type: single nucleotide variant.
Coding change: c.1351C>G on transcript NM_015175.3 (MANE Select); coding-DNA position 1351, C replaced by G.
Protein change: p.Pro451Ala; replaces proline 451 with alanine.
Molecular consequence: missense variant.
Genome position (GRCh38, 1-based): chr3:46,995,086, C>G. VCF-style: chr3-46995086-C-G. GRCh37 (hg19) VCF-style: chr3-47036576-C-G.
Other names: c.1249C>G, p.Pro417Ala (NM_001365116.2); short protein forms P417A, P451A.
Identifiers: ClinVar variation 719074 (VCV000719074.15), dbSNP rs368375664, ClinGen allele CA2360371.
Genomic context (GRCh38, chr3:46,995,086, plus strand): 5'-CCACAGGCTGTGGAGGGTGACCACAGCATGTGCCCACCTCCACCAATCCGCAACGAGCAG[C>G]CGGTACTGGTGCTGGCGCAGTGGCTGCCGTCATTGCCCACCGCTGAGCTGCGGCTCTTCC-3'
Protein context (NP_055990.1, residues 441-461): CPPPPIRNEQ[Pro451Ala]VLVLAQWLPS